The following is an entry in ClinVar:

ClinVar aggregate classification (germline): Pathogenic (1 of 4 stars; one submission).

Conditions:
Granulomatous disease, chronic, X-linked. Also called: CYTOCHROME b-NEGATIVE GRANULOMATOUS DISEASE, CHRONIC, X-LINKED; GRANULOMATOUS DISEASE, CHRONIC, X-LINKED, SOMATIC MOSAIC. Identifiers: Orphanet 379, MedGen C1844376, MONDO:0010600, OMIM 306400.

Submission:

Labcorp Genetics (formerly Invitae), Labcorp
Classification: Pathogenic for Granulomatous disease, chronic, X-linked. Last evaluated: 2021-03-29. Review status: criteria provided, single submitter. Criteria: Invitae Variant Classification Sherloc (09022015). Collection method: clinical testing. Allele origin: germline.
Comment: For these reasons, this variant has been classified as Pathogenic. This variant disrupts the p.His222 amino acid residue in CYBB. Other variant(s) that disrupt this residue have been determined to be pathogenic (PMID: 18546332,29560547,9585602). This suggests that this residue is clinically significant, and that variants that disrupt this residue are likely to be disease-causing. Algorithms developed to predict the effect of sequence changes on RNA splicing suggest that this variant may create or strengthen a splice site, but this prediction has not been confirmed by published transcriptional studies. Advanced modeling of protein sequence and biophysical properties (such as structural, functional, and spatial information, amino acid conservation, physicochemical variation, residue mobility, and thermodynamic stability) performed at Invitae indicates that this missense variant is expected to disrupt CYBB protein function. This variant has been observed in individual(s) with chronic granulomatous disease (PMID: 29560547, Invitae). This variant is not present in population databases (ExAC no frequency). This sequence change replaces histidine with glutamine at codon 222 of the CYBB protein (p.His222Gln). The histidine residue is highly conserved and there is a small physicochemical difference between histidine and glutamine.

Literature cited by the submitters: PubMed 18546332; PubMed 29560547; PubMed 9585602.

NM_000397.4(CYBB):c.666T>A (p.His222Gln)

Gene: CYBB (cytochrome b-245 beta chain; plus strand). Cytogenetic location: Xp21.1.
Variant type: single nucleotide variant.
Coding change: c.666T>A on transcript NM_000397.4 (MANE Select); coding-DNA position 666, T replaced by A.
Protein change: p.His222Gln; replaces histidine 222 with glutamine.
Molecular consequence: missense variant.
Genome position (GRCh38, 1-based): chrX:37,796,133, T>A. VCF-style: chrX-37796133-T-A. GRCh37 (hg19) VCF-style: chrX-37655386-T-A.
Other names: short protein forms H222Q.
Identifiers: ClinVar variation 1453135 (VCV001453135.8), dbSNP rs2146811863, ClinGen allele CA412976440.